The following is an entry in ClinVar:

ClinVar aggregate classification (germline): Uncertain significance (1 of 4 stars; one submission).

Conditions:
D-2-hydroxyglutaric aciduria 2 (D2HGA2). Identifiers: Orphanet 79315, MedGen C3150909, MONDO:0013345, OMIM 613657.

Submission:

Labcorp Genetics (formerly Invitae), Labcorp
Classification: Uncertain significance for D-2-hydroxyglutaric aciduria 2. Last evaluated: 2023-03-07. Review status: criteria provided, single submitter. Criteria: Invitae Variant Classification Sherloc (09022015). Collection method: clinical testing. Allele origin: germline.
Comment: This sequence change replaces isoleucine, which is neutral and non-polar, with methionine, which is neutral and non-polar, at codon 283 of the IDH2 protein (p.Ile283Met). This variant is not present in population databases (gnomAD no frequency). This variant has not been reported in the literature in individuals affected with IDH2-related conditions. Advanced modeling of protein sequence and biophysical properties (such as structural, functional, and spatial information, amino acid conservation, physicochemical variation, residue mobility, and thermodynamic stability) performed at Invitae indicates that this missense variant is not expected to disrupt IDH2 protein function. In summary, the available evidence is currently insufficient to determine the role of this variant in disease. Therefore, it has been classified as a Variant of Uncertain Significance.

NM_002168.4(IDH2):c.849C>G (p.Ile283Met)

Gene: IDH2 (isocitrate dehydrogenase (NADP(+)) 2; minus strand). Cytogenetic location: 15q26.1.
Variant type: single nucleotide variant.
Coding change: c.849C>G on transcript NM_002168.4 (MANE Select); coding-DNA position 849, C replaced by G.
Protein change: p.Ile283Met; replaces isoleucine 283 with methionine.
Molecular consequence: missense variant.
Genome position (GRCh38, 1-based): chr15:90,087,230, G>C on the plus strand (C>G on the coding strand, the complement: IDH2 is on the minus strand). VCF-style: chr15-90087230-G-C. GRCh37 (hg19) VCF-style: chr15-90630462-G-C.
Other names: c.693C>G, p.Ile231Met (NM_001289910.1); c.459C>G, p.Ile153Met (NM_001290114.2); short protein forms I153M, I231M, I283M.
Identifiers: ClinVar variation 2796214 (VCV002796214.3), dbSNP rs2151548141, ClinGen allele CA393801445.